The following is an entry in ClinVar:

NM_001177316.2(SLC34A3):c.561-32C>A

Gene: SLC34A3 (solute carrier family 34 member 3; plus strand). Cytogenetic location: 9q34.3.
Variant type: single nucleotide variant.
Coding change: c.561-32C>A on transcript NM_001177316.2 (MANE Select); 32 bases into the intron before coding-DNA position 561, C replaced by A.
Molecular consequence: intron variant.
Genome position (GRCh38, 1-based): chr9:137,233,177, C>A. VCF-style: chr9-137233177-C-A. GRCh37 (hg19) VCF-style: chr9-140127629-C-A.
Other names: c.561-32C>A (NM_001177317.2, NM_080877.3).
Identifiers: ClinVar variation 4980437 (VCV004980437.1).

ClinVar aggregate classification (germline): Likely benign (1 of 4 stars; one submission).

Conditions:
SLC34A3-related disorder. Also called: SLC34A3-related condition.

gnomAD v4.1: 569 of 1,559,458 alleles (0.036%); highest among the groups gnomAD compares: Middle Eastern, 0.4%; 1 homozygote.

Submission:

PreventionGenetics, part of Exact Sciences
Classification: Likely benign for SLC34A3-related condition. Last evaluated: 2026-04-27. Review status: criteria provided, single submitter. Criteria: ACMG Guidelines, 2015. Collection method: clinical testing. Allele origin: germline.
Comment: This variant is classified as likely benign based on ACMG/AMP sequence variant interpretation guidelines (Richards et al. 2015 PMID: 25741868, with internal and published modifications).